The following is an entry in ClinVar:

ClinVar aggregate classification (germline): Pathogenic/Likely pathogenic. Review status: criteria provided, multiple submitters, no conflicts (2 of 4 stars). 11 submissions from 11 submitters: Pathogenic (6); Likely pathogenic (3). 2 of the submissions do not count toward it. Last evaluated 2026-04-01.

Conditions:
Hereditary cancer-predisposing syndrome. Also called: Neoplastic Syndromes, Hereditary; Tumor predisposition; Hereditary Cancer Syndrome; Hereditary neoplastic syndrome. Identifiers: Orphanet 140162, MedGen C0027672, MeSH D009386, MONDO:0015356.
Gastrointestinal stromal tumor. Also called: Gastrointestinal stromal tumor, somatic; Gastrointestinal stroma tumor. Identifiers: Orphanet 44890, MedGen C0238198, MeSH D046152, MONDO:0011719, OMIM 606764, HP:0100723.
Pheochromocytoma. Also called: MAX-Related Hereditary Paraganglioma-Pheochromocytoma Syndrome. Identifiers: Orphanet 29072, MedGen C0031511, MONDO:0008233, OMIM 171300, HP:0002666.
Pheochromocytoma/paraganglioma syndrome 4. Also called: CAROTID BODY TUMORS AND MULTIPLE EXTRAADRENAL PHEOCHROMOCYTOMAS; PARAGANGLIOMA, FAMILIAL MALIGNANT; PARAGANGLIOMAS, HEREDITARY EXTRAADRENAL; PHEOCHROMOCYTOMA, FAMILIAL EXTRAADRENAL; Paragangliomas 4; SDHB-Related Hereditary Paraganglioma-Pheochromocytoma Syndrome (Paragangliomas 4). Identifiers: Orphanet 29072, MedGen C1861848, MONDO:0007273, OMIM 115310.
Hereditary pheochromocytoma and paraganglioma. Also called: Hereditary paragangliomas and pheochromocytomas; Hereditary Paraganglioma-Pheochromocytoma Syndromes; Hereditary pheochromocytoma-paraganglioma. Identifiers: Orphanet 29072, MedGen C4274332, MONDO:0017366.

Allele frequency attached by ClinVar (database versions not stated): gnomAD exomes below 0.00001 and 0.00001.
gnomAD v4.1: 12 of 1,613,948 alleles (0.00074%); highest among the groups gnomAD compares: Non-Finnish European, 0.001%; no homozygotes.

Submissions 1 to 8 of 11:

CeGaT Center for Human Genetics Tuebingen
Classification: Pathogenic. Last evaluated: 2026-04-01. Review status: criteria provided, single submitter. Criteria: CeGaT Center For Human Genetics Tuebingen Variant Classification Criteria Version 2. Collection method: clinical testing. Allele origin: germline. Affected: yes. Observed: 2 variant alleles.
Comment: SDHB: PS4, PM1, PM2:Supporting, PP1, PP3, PS3:Supporting

Labcorp Genetics (formerly Invitae), Labcorp
Classification: Pathogenic for Gastrointestinal stromal tumor; Pheochromocytoma/paraganglioma syndrome 4; Pheochromocytoma. Last evaluated: 2025-12-16. Review status: criteria provided, single submitter. Criteria: Invitae Variant Classification Sherloc (09022015). Collection method: clinical testing. Allele origin: germline.
Comment: This sequence change replaces proline, which is neutral and non-polar, with arginine, which is basic and polar, at codon 197 of the SDHB protein (p.Pro197Arg). This variant is present in population databases (rs74315367, gnomAD 0.0009%). This missense change has been observed in individuals with gastrointestinal stromal tumor, paraganglioma, and/or pheochromocytoma (PMID: 11404820, 14974914, 18419787, 21348866, 25047027, 26556299, 27542510, 28374168; internal data). It has also been observed to segregate with disease in related individuals. ClinVar contains an entry for this variant (Variation ID: 12779). Invitae Evidence Modeling of protein sequence and biophysical properties (such as structural, functional, and spatial information, amino acid conservation, physicochemical variation, residue mobility, and thermodynamic stability) indicates that this missense variant is expected to disrupt SDHB protein function with a positive predictive value of 80%. Experimental studies have shown that this missense change does not substantially affect SDHB function (PMID: 18519664, 25972245, 28738844). This variant disrupts the p.Pro197 amino acid residue in SDHB. Other variant(s) that disrupt this residue have been observed in individuals with SDHB-related conditions (PMID: 20208144), which suggests that this may be a clinically significant amino acid residue. For these reasons, this variant has been classified as Pathogenic.

Molecular Pathology, Peter Maccallum Cancer Centre
Classification: Pathogenic for Pheochromocytoma/paraganglioma syndrome 4. Last evaluated: 2025-04-14. Review status: criteria provided, single submitter. Criteria: ACMG Guidelines, 2015. Collection method: clinical testing. Allele origin: germline. Inheritance: Autosomal dominant inheritance.

Women's Health and Genetics/Laboratory Corporation of America, LabCorp
Classification: Pathogenic for Hereditary pheochromocytoma and paraganglioma. Last evaluated: 2024-12-26. Review status: criteria provided, single submitter. Criteria: LabCorp Variant Classification Summary - May 2015. Collection method: clinical testing. Allele origin: germline.
Comment: Variant summary: SDHB c.590C>G (p.Pro197Arg) results in a non-conservative amino acid change located in the 4Fe-4S dicluster domain of the encoded protein sequence. Five of five in-silico tools predict a damaging effect of the variant on protein function. The variant allele was found at a frequency of 4e-06 in 251756 control chromosomes. c.590C>G has been reported in the literature in multiple individuals affected with Hereditary Paraganglioma-Pheochromocytoma Syndrome (example, Astuti_2003, Lawrence_2004, Srirangalingam_2008, Astuti_2003, Ricketts_2009, Andrews_2018, Benn_2018, BenAim_2021). A recent study combining data from Australian and UK cohorts with Hereditary Paraganglioma-Pheochromocytoma Syndrome, estimated a lifetime penetrance of 22% for SDGB variants (Benn_2018). These data indicate that the variant is very likely to be associated with disease. One publication reports experimental evidence evaluating an impact on protein function, however, does not allow convincing conclusions about the variant effect (Cervera_2008). The following publications have been ascertained in the context of this evaluation (PMID: 29386252, 11404820, 14974914, 3445295, 30201732, 18519664, 19802898, 18419787). ClinVar contains an entry for this variant (Variation ID: 12779). Based on the evidence outlined above, the variant was classified as pathogenic.

Institute for Genomic Medicine (IGM) Clinical Laboratory, Nationwide Children's Hospital
Classification: Pathogenic for Pheochromocytoma/paraganglioma syndrome 4. Last evaluated: 2024-10-19. Review status: criteria provided, single submitter. Criteria: ACMG Guidelines, 2015. Collection method: clinical testing. Allele origin: germline.
Comment: Well-established functional studies have demonstrated this variant to have a damaging effect on protein function or splicing (ACMG/AMP: PS3; PMIDs:37008946, 19576851, 18519664, 25972245, 28738844). This variant has been reported at an elevated frequency in affected individuals/in multiple affected individuals in the literature (ACMG/AMP: PS4; PMIDs:14974914, 18419787, 21348866, 27542510, 28374168). This variant is absent from or present at an exceedingly low frequency in gnomAD, a large-scale control population database (ACMG/AMP: PM2). A different substitution at this amino acid position has been reported as pathogenic (ACMG/AMP: PM5). This variant is predicted to alter protein function or structure, or disrupt splicing by multiple in silico tools (ACMG/AMP: PP3).

Myriad Genetics, Inc.
Classification: Likely pathogenic for Pheochromocytoma/paraganglioma syndrome 4. Last evaluated: 2024-08-14. Review status: criteria provided, single submitter. Criteria: Myriad Autosomal Dominant, Autosomal Recessive and X-Linked Classification Criteria (2023). Collection method: clinical testing. Allele origin: unknown.
Comment: This variant is considered likely pathogenic. This variant has been reported in multiple individuals with clinical features of gene-specific disease [PMID: 11404820, 32741965, 29623478, 23934599, 19576851, 28503760]. This variant is expected to disrupt protein structure [Myriad internal data].

Ambry Genetics
Classification: Pathogenic for Hereditary cancer-predisposing syndrome. Last evaluated: 2024-01-08. Review status: criteria provided, single submitter. Criteria: Ambry Variant Classification Scheme 2023. Collection method: clinical testing. Allele origin: germline.
Comment: The p.P197R pathogenic mutation (also known as c.590C>G), located in coding exon 6 of the SDHB gene, results from a C to G substitution at nucleotide position 590. The proline at codon 197 is replaced by arginine, an amino acid with dissimilar properties. This variant has been reported in multiple individuals/multiple families diagnosed with paragangliomas and/or pheochromocytomas (Astuti D et al. Am. J. Hum. Genet. 2001 Jul;69:49-54; Gimenez-Roqueplo AP et al. J. Clin. Endocrinol. Metab. 2002 Oct;87:4771-4; Lawrence JK et al. Hormones (Athens) 2004. 3(2):127-31; Jochmanova I et al. J. Cancer Res. Clin. Oncol. 2017 Aug;143:1421-1435; Jawed I et al. Cell. Mol. Neurobiol. 2018 Jul;38:1099-1106; Rijken JA et al. BJS Open. 2018 Apr;2:62-69), as well as an individual diagnosed with a GIST (Schrader KA et al. JAMA Oncol. 2016 Jan;2:104-11). In one study, PGL-PCC tumor studies of an individual known to carry the p.P197R alteration showed negative SDHB protein expression on IHC (van Nederveen FH et al. Lancet Oncol. 2009 Aug;10:764-71). Authors of one study showed that the p.P197R alteration led to mitochondrial expression levels and SDH enzyme activity levels similar to that of wild type cells in vitro; however structural modeling predicted this alteration would affect the function of the electron path in the electron transport chain (Kim E et al. Endocr. Relat. Cancer. 2015 Jun;22:387-97). Based on internal structural analysis, P197R introduces a large, positively-charged side-chain into a functionally critical region of SDHB, and is likely to disrupt both ubiquinone binding and reduction of ubiquinone (Sun F et al. Cell. 2005 Jul;121:1043-57; Yankovskaya V et al. Science. 2003 Jan;299:700-4; Guo J et al. J. Biol. Chem. 2003 Nov;278:47629-35). This variant was not reported in population-based cohorts in the Genome Aggregation Database (gnomAD) (Lek M et al. Nature. 2016 08;536:285-91). This amino acid position is highly conserved in available vertebrate species. In addition, this alteration is predicted to be deleterious by in silico analysis. Of note, this variant is also called p.P198R (c.724C>G) in some literature. Based on the supporting evidence, this alteration is interpreted as a disease-causing mutation.

Mayo Clinic Laboratories, Mayo Clinic
Classification: Likely pathogenic. Last evaluated: 2022-07-07. Review status: criteria provided, single submitter. Criteria: ACMG Guidelines, 2015. Collection method: clinical testing. Allele origin: germline. Observed: 1 variant allele.
Comment: PP1_moderate, PP3, PP4, PM2, PS4_moderate

NM_003000.3(SDHB):c.590C>G (p.Pro197Arg)

Gene: SDHB (succinate dehydrogenase complex iron sulfur subunit B; minus strand). Cytogenetic location: 1p36.13.
Variant type: single nucleotide variant.
Coding change: c.590C>G on transcript NM_003000.3 (MANE Select); coding-DNA position 590, C replaced by G.
Protein change: p.Pro197Arg; replaces proline 197 with arginine.
Molecular consequence: missense variant.
Genome position (GRCh38, 1-based): chr1:17,024,025, G>C on the plus strand (C>G on the coding strand, the complement: SDHB is on the minus strand). VCF-style: chr1-17024025-G-C. GRCh37 (hg19) VCF-style: chr1-17350520-G-C.
Other names: short protein forms P197R.
Identifiers: ClinVar variation 12779 (VCV000012779.28), dbSNP rs74315367, ClinGen allele CA016001.